The following is an entry in ClinVar:

ClinVar aggregate classification (germline): Pathogenic (1 of 4 stars; one submission).

Conditions:
Diffuse cerebral and cerebellar atrophy - intractable seizures - progressive microcephaly syndrome. Also called: Microcephaly, progressive, with seizures and cerebral and cerebellar atrophy. Identifiers: Orphanet 404437, MedGen C4014239, MONDO:0014335, OMIM 615760.

Submission:

Labcorp Genetics (formerly Invitae), Labcorp
Classification: Pathogenic for Diffuse cerebral and cerebellar atrophy - intractable seizures - progressive microcephaly syndrome. Last evaluated: 2025-03-03. Review status: criteria provided, single submitter. Criteria: Invitae Variant Classification Sherloc (09022015). Collection method: clinical testing. Allele origin: germline.
Comment: This sequence change creates a premature translational stop signal (p.Leu196*) in the QARS gene. It is expected to result in an absent or disrupted protein product. Loss-of-function variants in QARS are known to be pathogenic (PMID: 24656866, 25471517). This variant is present in population databases (no rsID available, gnomAD 0.0009%). This premature translational stop signal has been observed in individual(s) with epilepsy (PMID: 31440721). ClinVar contains an entry for this variant (Variation ID: 477841). For these reasons, this variant has been classified as Pathogenic.

Literature cited by the submitters: PubMed 24656866; PubMed 25471517; PubMed 31440721.

NM_005051.3(QARS1):c.585del (p.Arg195_Leu196insTer)

Gene: QARS1 (glutaminyl-tRNA synthetase 1; minus strand). Cytogenetic location: 3p21.31.
Variant type: Deletion.
Coding change: c.585del on transcript NM_005051.3 (MANE Select); coding-DNA position 585, one base deleted (G; older notation c.585delG).
Protein change: p.Arg195_Leu196insTer.
Molecular consequence: frameshift variant. On other transcripts: non-coding transcript variant (1).
Genome position (GRCh38, 1-based): chr3:49,102,251, C deleted on the plus strand (G on the coding strand, the reverse complement: QARS1 is on the minus strand); the first of 2 consecutive C bases (chr3:49,102,251-49,102,252); deleting either gives the same sequence. VCF-style (leftmost placement, unchanged base first): chr3-49102250-GC-G. GRCh37 (hg19) VCF-style: chr3-49139683-GC-G.
Other names: c.552del, p.Arg184_Leu185insTer (NM_001272073.2).
Identifiers: ClinVar variation 477841 (VCV000477841.6), dbSNP rs1241706645, ClinGen allele CA542802113.